The following is an entry in ClinVar:

NM_001378183.1(PIEZO2):c.350_351del (p.Gly117fs)

Gene: PIEZO2 (piezo type mechanosensitive ion channel component 2; minus strand). Cytogenetic location: 18p11.22.
Variant type: Deletion.
Coding change: c.350_351del on transcript NM_001378183.1 (MANE Select); coding-DNA positions 350 to 351, 2 bases deleted (GC; older notation c.350_351delGC).
Protein change: p.Gly117fs; shifts the reading frame from glycine 117.
Molecular consequence: frameshift variant.
Genome position (GRCh38, 1-based): chr18:10,871,394-10,871,395, GC deleted on the plus strand (GC on the coding strand, the reverse complement: PIEZO2 is on the minus strand). VCF-style (leftmost placement, unchanged base first): chr18-10871393-TGC-T. GRCh37 (hg19) VCF-style: chr18-10871391-TGC-T.
Other names: c.350_351del, p.Gly117fs (NM_001410871.1, NM_022068.4); short protein forms G117fs.
Identifiers: ClinVar variation 3236262 (VCV003236262.1), dbSNP rs2511000590, ClinGen allele CA2825002667.

ClinVar aggregate classification (germline): Likely pathogenic (1 of 4 stars; one submission).

Conditions:
Gordon syndrome (DA3). Also called: Gordon's syndrome; ARTHROGRYPOSIS MULTIPLEX CONGENITA, DISTAL, TYPE IIA; CAMPTODACTYLY, CLEFT PALATE, AND CLUBFOOT. Identifiers: Orphanet 376, MedGen C0220666, MONDO:0007252, OMIM 114300.

Submission:

MVZ Medizinische Genetik Mainz
Classification: Likely pathogenic for Gordon syndrome. Last evaluated: 2024-02-15. Review status: criteria provided, single submitter. Criteria: UK Practice Guidelines For Variant Classification V4 01 2020. Collection method: clinical testing. Allele origin: germline. Inheritance: Autosomal recessive inheritance. Affected: yes. Observed: 1 variant allele.
Comment: ACMG Criteria: PVS1,PM2_SUP; Compound Heterozygote